The following is an entry in ClinVar:

ClinVar aggregate classification (germline): Conflicting classifications of pathogenicity. Review status: criteria provided, conflicting classifications (1 of 4 stars). 3 submissions from 3 submitters: Uncertain significance (1); Likely benign (1). 1 of the submissions does not count toward it. Last evaluated 2025-06-01.

Conditions:
POT1-related disorder. Also called: POT1-related condition.
Hereditary cancer-predisposing syndrome. Also called: Tumor predisposition; Hereditary Cancer Syndrome; Neoplastic Syndromes, Hereditary; Hereditary neoplastic syndrome. Identifiers: Orphanet 140162, MedGen C0027672, MeSH D009386, MONDO:0015356.
Tumor predisposition syndrome 3 (TPDS3). Also called: Melanoma, cutaneous malignant, susceptibility to, 10; Glioma susceptibility 9; LONG TELOMERE SYNDROME, POT1-RELATED; POT1 Tumor Predisposition. Identifiers: Orphanet 618, MedGen C4014476, MONDO:0014368, OMIM 615848.

Allele frequency attached by ClinVar (database versions not stated): gnomAD exomes below 0.00001; gnomAD 0.00001; TOPMed 0.00001.
gnomAD v4.1: 3 of 1,499,150 alleles (0.0002%); highest among the groups gnomAD compares: Non-Finnish European, 0.00027%; no homozygotes.

Submissions (3):

Labcorp Genetics (formerly Invitae), Labcorp
Classification: Uncertain significance for Tumor predisposition syndrome 3. Last evaluated: 2025-06-01. Review status: criteria provided, single submitter. Criteria: Invitae Variant Classification Sherloc (09022015). Collection method: clinical testing. Allele origin: germline.
Comment: This sequence change replaces methionine, which is neutral and non-polar, with valine, which is neutral and non-polar, at codon 560 of the POT1 protein (p.Met560Val). This variant is present in population databases (no rsID available, gnomAD 0.007%). This variant has not been reported in the literature in individuals affected with POT1-related conditions. ClinVar contains an entry for this variant (Variation ID: 951500). Invitae Evidence Modeling of protein sequence and biophysical properties (such as structural, functional, and spatial information, amino acid conservation, physicochemical variation, residue mobility, and thermodynamic stability) indicates that this missense variant is not expected to disrupt POT1 protein function with a negative predictive value of 80%. In summary, the available evidence is currently insufficient to determine the role of this variant in disease. Therefore, it has been classified as a Variant of Uncertain Significance.

Ambry Genetics
Classification: Likely benign for Hereditary cancer-predisposing syndrome. Last evaluated: 2025-03-05. Review status: criteria provided, single submitter. Criteria: Ambry Variant Classification Scheme 2023. Collection method: clinical testing. Allele origin: germline.

PreventionGenetics, part of Exact Sciences
Classification: Uncertain significance for POT1-related condition. Last evaluated: 2024-09-05. Review status: no assertion criteria provided. Collection method: clinical testing. Allele origin: germline. Not counted in ClinVar's aggregate classification.
Comment: The POT1 c.1678A>G variant is predicted to result in the amino acid substitution p.Met560Val. To our knowledge, this variant has not been reported in the literature. This variant is reported in 0.0065% of alleles in individuals of European (Non-Finnish) descent in gnomAD, and has been classified as a variant of uncertain significance in ClinVar. At this time, the clinical significance of this variant is uncertain due to the absence of conclusive functional and genetic evidence.

NM_015450.3(POT1):c.1678A>G (p.Met560Val)

Gene: POT1 (protection of telomeres 1; minus strand). Cytogenetic location: 7q31.33.
Variant type: single nucleotide variant.
Coding change: c.1678A>G on transcript NM_015450.3 (MANE Select); coding-DNA position 1678, A replaced by G.
Protein change: p.Met560Val; replaces methionine 560 with valine.
Molecular consequence: missense variant. On other transcripts: non-coding transcript variant (3).
Genome position (GRCh38, 1-based): chr7:124,827,222, T>C on the plus strand (A>G on the coding strand, the complement: POT1 is on the minus strand). VCF-style: chr7-124827222-T-C. GRCh37 (hg19) VCF-style: chr7-124467276-T-C.
Other names: c.1285A>G, p.Met429Val (NM_001042594.2); short protein forms M560V, M429V.
Identifiers: ClinVar variation 951500 (VCV000951500.13), dbSNP rs1351302431, ClinGen allele CA369062863.
Genomic context (GRCh38, chr7:124,827,222, plus strand): 5'-TTTTAAATATTATTTTTTAATTAAAAATATCTTTATTACCTCTGATACTTACAGAATCCA[T>C]GAGATAGGCTTCTAGTACTCCTGTTCCATCATCAAGTGTAAAGGTCATAACAAACACATA-3'
Protein context (NP_056265.2, residues 550-570): DGTGVLEAYL[Met560Val]DSDKFFQIPA